The following is an entry in ClinVar:

ClinVar aggregate classification (germline): Uncertain significance (1 of 4 stars; one submission).

Conditions:
Intellectual developmental disorder, X-linked 1. Also called: Atkin Flaitz Patil Smith syndrome; MENTAL RETARDATION, X-LINKED 18; MENTAL RETARDATION, X-LINKED 78; Intellectual disability, X-linked 1. Identifiers: Orphanet 777, MedGen C2931498, MONDO:0010656, OMIM 309530.

Submission:

Labcorp Genetics (formerly Invitae), Labcorp
Classification: Uncertain significance for Intellectual developmental disorder, X-linked 1. Last evaluated: 2024-04-15. Review status: criteria provided, single submitter. Criteria: Invitae Variant Classification Sherloc (09022015). Collection method: clinical testing. Allele origin: germline.
Comment: This sequence change replaces alanine, which is neutral and non-polar, with isoleucine, which is neutral and non-polar, at codon 209 of the IQSEC2 protein (p.Ala209Ile). This variant is present in population databases (no rsID available, gnomAD 0.001%). This variant has not been reported in the literature in individuals affected with IQSEC2-related conditions. ClinVar contains an entry for this variant (Variation ID: 941319). An algorithm developed to predict the effect of missense changes on protein structure and function (PolyPhen-2) suggests that this variant is likely to be tolerated. In summary, the available evidence is currently insufficient to determine the role of this variant in disease. Therefore, it has been classified as a Variant of Uncertain Significance.

NM_001111125.3(IQSEC2):c.625_626delinsAT (p.Ala209Ile)

Gene: IQSEC2 (IQ motif and Sec7 domain ArfGEF 2; minus strand). Cytogenetic location: Xp11.22.
Variant type: Indel.
Coding change: c.625_626delinsAT on transcript NM_001111125.3 (MANE Select); coding-DNA positions 625 to 626, GC replaced by AT.
Protein change: p.Ala209Ile; replaces alanine 209 with isoleucine.
Molecular consequence: missense variant.
Genome position (GRCh38, 1-based): chrX:53,320,498-53,320,499, GC replaced by AT on the plus strand (GC replaced by AT on the coding strand, the reverse complement: IQSEC2 is on the minus strand). VCF-style: chrX-53320498-GC-AT. GRCh37 (hg19) VCF-style: chrX-53349696-GC-AT.
Other names: short protein forms A209I.
Identifiers: ClinVar variation 941319 (VCV000941319.10), dbSNP rs2075418559, ClinGen allele CA1139667556.